The following is an entry in ClinVar:

NM_001458.5(FLNC):c.4661T>C (p.Ile1554Thr)

Gene: FLNC (filamin C; plus strand). Cytogenetic location: 7q32.1.
Variant type: single nucleotide variant.
Coding change: c.4661T>C on transcript NM_001458.5 (MANE Select); coding-DNA position 4661, T replaced by C.
Protein change: p.Ile1554Thr; replaces isoleucine 1554 with threonine.
Molecular consequence: missense variant.
Genome position (GRCh38, 1-based): chr7:128,848,641, T>C. VCF-style: chr7-128848641-T-C. GRCh37 (hg19) VCF-style: chr7-128488695-T-C.
Other names: c.4661T>C, p.Ile1554Thr (NM_001127487.2); short protein forms I1554T.
Identifiers: ClinVar variation 1411508 (VCV001411508.10), dbSNP rs777526166, ClinGen allele CA4475418.

ClinVar aggregate classification (germline): Uncertain significance. Review status: criteria provided, multiple submitters, no conflicts (2 of 4 stars). 2 submissions from 2 submitters: Uncertain significance (2). Last evaluated 2025-10-03.

Conditions:
Cardiovascular phenotype. Identifiers: MedGen CN230736.
Distal myopathy with posterior leg and anterior hand involvement. Also called: WILLIAMS DISTAL MYOPATHY. Identifiers: Orphanet 63273, MedGen C3279722, MONDO:0013550, OMIM 614065.
Hypertrophic cardiomyopathy 26. Also called: Cardiomyopathy, familial hypertrophic, 26. Identifiers: Orphanet 75249, MedGen C4310749, MONDO:0014883, OMIM 617047.
Myofibrillar myopathy 5. Also called: Filaminopathy (type); FILAMINOPATHY, AUTOSOMAL DOMINANT. Identifiers: Orphanet 171445, MedGen C1836050, MONDO:0012289, OMIM 609524.

Allele frequency attached by ClinVar (database versions not stated): TOPMed below 0.00001; gnomAD 0.00001; ExAC 0.00008.

Submissions (2):

Labcorp Genetics (formerly Invitae), Labcorp
Classification: Uncertain significance for Distal myopathy with posterior leg and anterior hand involvement; Myofibrillar myopathy 5; Hypertrophic cardiomyopathy 26. Last evaluated: 2025-10-03. Review status: criteria provided, single submitter. Criteria: Invitae Variant Classification Sherloc (09022015). Collection method: clinical testing. Allele origin: germline.
Comment: This sequence change replaces isoleucine, which is neutral and non-polar, with threonine, which is neutral and polar, at codon 1554 of the FLNC protein (p.Ile1554Thr). The frequency data for this variant in the population databases is considered unreliable, as metrics indicate poor data quality at this position in the gnomAD database. This variant has not been reported in the literature in individuals affected with FLNC-related conditions. ClinVar contains an entry for this variant (Variation ID: 1411508). Invitae Evidence Modeling of protein sequence and biophysical properties (such as structural, functional, and spatial information, amino acid conservation, physicochemical variation, residue mobility, and thermodynamic stability) has been performed for this missense variant. However, the output from this modeling did not meet the statistical confidence thresholds required to predict the impact of this variant on FLNC protein function. In summary, the available evidence is currently insufficient to determine the role of this variant in disease. Therefore, it has been classified as a Variant of Uncertain Significance.

Ambry Genetics
Classification: Uncertain significance for Cardiovascular phenotype. Last evaluated: 2021-11-14. Review status: criteria provided, single submitter. Criteria: Ambry Variant Classification Scheme 2023. Collection method: clinical testing. Allele origin: germline.
Comment: The p.I1554T variant (also known as c.4661T>C), located in coding exon 27 of the FLNC gene, results from a T to C substitution at nucleotide position 4661. The isoleucine at codon 1554 is replaced by threonine, an amino acid with similar properties. This amino acid position is conserved. In addition, the in silico prediction for this alteration is inconclusive. Since supporting evidence is limited at this time, the clinical significance of this alteration remains unclear.